The following is an entry in ClinVar:

NM_006044.4(HDAC6):c.3248G>A (p.Gly1083Asp)

Gene: HDAC6 (histone deacetylase 6; plus strand). Cytogenetic location: Xp11.23.
Variant type: single nucleotide variant.
Coding change: c.3248G>A on transcript NM_006044.4 (MANE Select); coding-DNA position 3248, G replaced by A.
Protein change: p.Gly1083Asp; replaces glycine 1083 with aspartic acid.
Molecular consequence: missense variant. On other transcripts: non-coding transcript variant (1).
Genome position (GRCh38, 1-based): chrX:48,823,730, G>A. VCF-style: chrX-48823730-G-A. GRCh37 (hg19) VCF-style: chrX-48682140-G-A.
Other names: c.3290G>A, p.Gly1097Asp (NM_001321225.2); c.3248G>A, p.Gly1083Asp (NM_001321226.2, NM_001321227.2, NM_001321228.2 and 1 more transcripts); short protein forms G1083D, G1097D.
Identifiers: ClinVar variation 445469 (VCV000445469.8), dbSNP rs41312114, ClinGen allele CA10405402.

ClinVar aggregate classification (germline): Likely benign. Review status: criteria provided, multiple submitters, no conflicts (2 of 4 stars). 3 submissions from 3 submitters: Likely benign (2). 1 of the submissions does not count toward it. Last evaluated 2019-12-31.

Conditions:
HDAC6-related disorder. Also called: HDAC6-related condition.

Allele frequency attached by ClinVar (database versions not stated): 1000 Genomes Project 0.00053; 1000 Genomes Project 30x 0.00083; gnomAD exomes 0.00169 and 0.00349; TOPMed 0.00179; gnomAD 0.00200 and 0.00206; ExAC 0.00214; ESP Exome Variant Server 0.00246.
gnomAD v4.1: 3,966 of 1,208,599 alleles (0.33%); highest among the groups gnomAD compares: Non-Finnish European, 0.43%; 6 homozygotes.

Submissions (3):

Labcorp Genetics (formerly Invitae), Labcorp
Classification: Likely benign. Last evaluated: 2019-12-31. Review status: criteria provided, single submitter. Criteria: Invitae Variant Classification Sherloc (09022015). Collection method: clinical testing. Allele origin: germline.

Center for Pediatric Genomic Medicine, Children's Mercy Hospital and Clinics
Classification: Likely benign. Last evaluated: 2017-06-22. Review status: criteria provided, single submitter. Criteria: ACMG Guidelines, 2015. Collection method: clinical testing. Allele origin: germline.

PreventionGenetics, part of Exact Sciences
Classification: Likely benign for HDAC6-related condition. Last evaluated: 2020-03-19. Review status: no assertion criteria provided. Collection method: clinical testing. Allele origin: germline. Not counted in ClinVar's aggregate classification.
Comment: This variant is classified as likely benign based on ACMG/AMP sequence variant interpretation guidelines (Richards et al. 2015 PMID: 25741868, with internal and published modifications).